The following is an entry in ClinVar:

NM_199420.4(POLQ):c.*691T>C

Gene: POLQ (DNA polymerase theta; minus strand). Cytogenetic location: 3q13.33.
Variant type: single nucleotide variant.
Coding change: c.*691T>C on transcript NM_199420.4 (MANE Select); 691 bases downstream of the stop codon, T replaced by C.
Molecular consequence: 3 prime UTR variant.
Genome position (GRCh38, 1-based): chr3:121,431,613, A>G on the plus strand (T>C on the coding strand, the complement: POLQ is on the minus strand). VCF-style: chr3-121431613-A-G. GRCh37 (hg19) VCF-style: chr3-121150460-A-G.
Identifiers: ClinVar variation 4888221 (VCV004888221.1), dbSNP rs11555758.

ClinVar aggregate classification (germline): Benign (1 of 4 stars; one submission).

Conditions:
Familial cancer of breast. Also called: BREAST CANCER, FAMILIAL; Hereditary breast cancer; hereditary breast carcinoma. Identifiers: Orphanet 227535, MedGen C0346153, MONDO:0016419, OMIM 114480. Disease mechanism: loss of function.

gnomAD v4.1: 5,500 of 152,698 alleles (3.6%); highest among the groups gnomAD compares: Middle Eastern, 8.2%; 150 homozygotes.

Submission:

Genomic Medicine Laboratory, Hospital de Clinicas de Porto Alegre
Classification: Benign for Familial cancer of breast. Last evaluated: 2026-08-07. Review status: criteria provided, single submitter. Criteria: ACGS UK Practice Guidelines For Variant Classification V12 2024. Collection method: research. Allele origin: germline. Affected: yes. Observed: 3 variant alleles.
Comment: BA1: Allele frequency is above 5%